The following is an entry in ClinVar:

ClinVar aggregate classification (germline): Uncertain significance. Review status: criteria provided, single submitter (1 of 4 stars). 2 submissions from 2 submitters: Uncertain significance (1). 1 of the submissions does not count toward it. Last evaluated 2024-01-22.

Conditions:
Medulloblastoma (MDB). Also called: Medulloblastoma, somatic; MEDULLOBLASTOMA PREDISPOSITION SYNDROME. Identifiers: Orphanet 616, MedGen C0025149, MeSH D008527, MONDO:0007959, OMIM 155255, HP:0002885.

Submissions (2):

GeneDx
Classification: Uncertain significance. Last evaluated: 2024-01-22. Review status: criteria provided, single submitter. Criteria: GeneDx Variant Classification Process June 2021. Collection method: clinical testing. Allele origin: germline. Affected: yes.
Comment: Not observed at significant frequency in large population cohorts (gnomAD); In silico analysis supports that this missense variant does not alter protein structure/function; Has not been previously published as pathogenic or benign to our knowledge; This variant is associated with the following publications: (PMID: 12068298)

OMIM
Classification: Pathogenic for MEDULLOBLASTOMA, SOMATIC. Last evaluated: 2002-07-01. Review status: no assertion criteria provided. Collection method: literature only. Allele origin: somatic. Not counted in ClinVar's aggregate classification.

Literature cited by the submitters: PubMed 12068298 (cited by OMIM).

NM_016169.4(SUFU):c.44C>T (p.Pro15Leu)

Genes: SUFU (SUFU negative regulator of hedgehog signaling; plus strand), LOC130004614 (ATAC-STARR-seq lymphoblastoid silent region 2764; plus strand). Cytogenetic location: 10q24.32.
Variant type: single nucleotide variant.
Coding change: c.44C>T on transcript NM_016169.4 (MANE Select); coding-DNA position 44, C replaced by T.
Protein change: p.Pro15Leu; replaces proline 15 with leucine.
Molecular consequence: missense variant.
Genome position (GRCh38, 1-based): chr10:102,504,196, C>T. VCF-style: chr10-102504196-C-T. GRCh37 (hg19) VCF-style: chr10-104263953-C-T.
Other names: c.44C>T, p.Pro15Leu (NM_001178133.2); c.44C>T (NM_016169.3); short protein forms P15L.
Identifiers: ClinVar variation 3569 (VCV000003569.2), dbSNP rs28942088, ClinGen allele CA116361.